The following is an entry in ClinVar:

ClinVar aggregate classification (germline): Benign/Likely benign. Review status: criteria provided, multiple submitters, no conflicts (2 of 4 stars). 7 submissions from 7 submitters: Benign (4); Likely benign (2). 1 of the submissions does not count toward it. Last evaluated 2026-02-03.

Conditions:
TSFM-related disorder. Also called: TSFM-related condition.
Fatal mitochondrial disease due to combined oxidative phosphorylation defect type 3. Also called: Combined oxidative phosphorylation deficiency 3; ENCEPHALOMYOPATHY, RESPIRATORY FAILURE, AND LACTIC ACIDOSIS. Identifiers: Orphanet 168566, MedGen C1864840, MONDO:0012512, OMIM 610505.

Allele frequency attached by ClinVar (database versions not stated): gnomAD exomes 0.00328; ExAC 0.00483; 1000 Genomes Project 30x 0.01077; 1000 Genomes Project 0.01078; gnomAD 0.01271 and 0.01391; ESP Exome Variant Server 0.01407; TOPMed 0.01498.
gnomAD v4.1: 3,902 of 1,604,190 alleles (0.24%); highest among the groups gnomAD compares: African/African-American, 4.4%; 77 homozygotes.

Submissions (7):

Labcorp Genetics (formerly Invitae), Labcorp
Classification: Benign. Last evaluated: 2026-02-03. Review status: criteria provided, single submitter. Criteria: Invitae Variant Classification Sherloc (09022015). Collection method: clinical testing. Allele origin: germline.

Mayo Clinic Laboratories, Mayo Clinic
Classification: Benign. Last evaluated: 2023-02-01. Review status: criteria provided, single submitter. Criteria: ACMG Guidelines, 2015. Collection method: clinical testing. Allele origin: germline. Observed: 23 variant alleles.
Comment: BS1, BS2, BP4

Illumina Laboratory Services, Illumina
Classification: Benign for Fatal mitochondrial disease due to combined oxidative phosphorylation defect type 3. Last evaluated: 2018-01-13. Review status: criteria provided, single submitter. Criteria: ICSL Variant Classification Criteria 13 December 2019. Collection method: clinical testing. Allele origin: germline.
Comment: This variant was observed in the ICSL laboratory as part of a predisposition screen in an ostensibly healthy population. It had not been previously curated by ICSL or reported in the Human Gene Mutation Database (HGMD: prior to June 1st, 2018), and was therefore a candidate for classification through an automated scoring system. Utilizing variant allele frequency, disease prevalence and penetrance estimates, and inheritance mode, an automated score was calculated to assess if this variant is too frequent to cause the disease. Based on the score and internal cut-off values, a variant classified as benign is not then subjected to further curation. The score for this variant resulted in a classification of benign for this disease.

Center for Pediatric Genomic Medicine, Children's Mercy Hospital and Clinics
Classification: Likely benign. Last evaluated: 2015-05-21. Review status: criteria provided, single submitter. Criteria: ACMG Guidelines, 2015. Collection method: clinical testing. Allele origin: germline.
ClinVar note: Converted during submission from Likely Benign to Likely benign.

GeneDx
Classification: Benign. Last evaluated: 2014-01-27. Review status: criteria provided, single submitter. Criteria: GeneDx Variant Classification (06012015). Collection method: clinical testing. Allele origin: germline. Affected: yes.
Comment: This variant is considered likely benign or benign based on one or more of the following criteria: it is a conservative change, it occurs at a poorly conserved position in the protein, it is predicted to be benign by multiple in silico algorithms, and/or has population frequency not consistent with disease.

Breakthrough Genomics
Classification: Likely benign. Review status: criteria provided, single submitter. Criteria: ACMG Guidelines, 2015. Collection method: not provided. Allele origin: germline. Inheritance: Autosomal recessive inheritance. Affected: yes.

PreventionGenetics, part of Exact Sciences
Classification: Benign for TSFM-related condition. Last evaluated: 2019-06-27. Review status: no assertion criteria provided. Collection method: clinical testing. Allele origin: germline. Not counted in ClinVar's aggregate classification.
Comment: This variant is classified as benign based on ACMG/AMP sequence variant interpretation guidelines (Richards et al. 2015 PMID: 25741868, with internal and published modifications).

NM_005726.6(TSFM):c.754G>A (p.Val252Ile)

Gene: TSFM (Ts translation elongation factor, mitochondrial; plus strand). Cytogenetic location: 12q14.1.
Variant type: single nucleotide variant.
Coding change: c.754G>A on transcript NM_005726.6 (MANE Select); coding-DNA position 754, G replaced by A.
Protein change: p.Val252Ile; replaces valine 252 with isoleucine.
Molecular consequence: missense variant. On other transcripts: 3 prime UTR variant (1), intron variant (1).
Genome position (GRCh38, 1-based): chr12:57,796,359, G>A. VCF-style: chr12-57796359-G-A. GRCh37 (hg19) VCF-style: chr12-58190142-G-A.
Other names: p.V273I:GTT>ATT; p.Val273Ile; c.*162G>A (NM_001172695.2); c.817G>A, p.Val273Ile (NM_001172696.2); c.571+3286G>A (NM_001172697.2); short protein forms V273I, V252I.
Identifiers: ClinVar variation 137761 (VCV000137761.23), dbSNP rs114694283, ClinGen allele CA291417.